The following is an entry in ClinVar:

ClinVar aggregate classification (germline): Benign/Likely benign. Review status: criteria provided, multiple submitters, no conflicts (2 of 4 stars). 6 submissions from 6 submitters: Benign (2); Likely benign (2). 2 of the submissions do not count toward it. Last evaluated 2026-02-03.

Conditions:
FUCA1-related disorder. Also called: FUCA1-related condition.
Fucosidosis. Also called: ALPHA-L-FUCOSIDASE DEFICIENCY. Identifiers: Orphanet 349, MedGen C0016788, MONDO:0009254, OMIM 230000.

Allele frequency attached by ClinVar (database versions not stated): gnomAD exomes 0.00167 and 0.00332; ExAC 0.00367; gnomAD 0.00886 and 0.00944; 1000 Genomes Project 0.00919; 1000 Genomes Project 30x 0.00968; TOPMed 0.01071; ESP Exome Variant Server 0.01107.
gnomAD v4.1: 3,918 of 1,614,104 alleles (0.24%); highest among the groups gnomAD compares: African/African-American, 2.8%; 40 homozygotes.

Submissions (6):

Labcorp Genetics (formerly Invitae), Labcorp
Classification: Benign for Fucosidosis. Last evaluated: 2026-02-03. Review status: criteria provided, single submitter. Criteria: Invitae Variant Classification Sherloc (09022015). Collection method: clinical testing. Allele origin: germline.

GeneDx
Classification: Likely benign. Last evaluated: 2024-06-07. Review status: criteria provided, single submitter. Criteria: GeneDx Variant Classification Process June 2021. Collection method: clinical testing. Allele origin: germline. Affected: yes.
Comment: See Variant Classification Assertion Criteria.

Illumina Laboratory Services, Illumina
Classification: Benign for Fucosidosis. Last evaluated: 2018-01-13. Review status: criteria provided, single submitter. Criteria: ICSL Variant Classification Criteria 13 December 2019. Collection method: clinical testing. Allele origin: germline.
Comment: This variant was observed in the ICSL laboratory as part of a predisposition screen in an ostensibly healthy population. It had not been previously curated by ICSL or reported in the Human Gene Mutation Database (HGMD: prior to June 1st, 2018), and was therefore a candidate for classification through an automated scoring system. Utilizing variant allele frequency, disease prevalence and penetrance estimates, and inheritance mode, an automated score was calculated to assess if this variant is too frequent to cause the disease. Based on the score and internal cut-off values, a variant classified as benign is not then subjected to further curation. The score for this variant resulted in a classification of benign for this disease.

Breakthrough Genomics
Classification: Likely benign. Review status: criteria provided, single submitter. Criteria: ACMG Guidelines, 2015. Collection method: not provided. Allele origin: germline. Inheritance: Autosomal recessive inheritance. Affected: yes.

PreventionGenetics, part of Exact Sciences
Classification: Benign for FUCA1-related condition. Last evaluated: 2019-04-18. Review status: no assertion criteria provided. Collection method: clinical testing. Allele origin: germline. Not counted in ClinVar's aggregate classification.
Comment: This variant is classified as benign based on ACMG/AMP sequence variant interpretation guidelines (Richards et al. 2015 PMID: 25741868, with internal and published modifications).

Mayo Clinic Laboratories, Mayo Clinic
Classification: Benign. Last evaluated: 2015-12-16. Review status: no assertion criteria provided. Collection method: clinical testing. Allele origin: unknown. Not counted in ClinVar's aggregate classification.

NM_000147.5(FUCA1):c.1148C>T (p.Thr383Ile)

Gene: FUCA1 (alpha-L-fucosidase 1; minus strand). Cytogenetic location: 1p36.11.
Variant type: single nucleotide variant.
Coding change: c.1148C>T on transcript NM_000147.5 (MANE Select); coding-DNA position 1148, C replaced by T.
Protein change: p.Thr383Ile; replaces threonine 383 with isoleucine.
Molecular consequence: missense variant.
Genome position (GRCh38, 1-based): chr1:23,848,661, G>A on the plus strand (C>T on the coding strand, the complement: FUCA1 is on the minus strand). VCF-style: chr1-23848661-G-A. GRCh37 (hg19) VCF-style: chr1-24175151-G-A.
Other names: short protein forms T383I.
Identifiers: ClinVar variation 296885 (VCV000296885.26), dbSNP rs114490852, ClinGen allele CA686350.